The following is an entry in ClinVar:

ClinVar aggregate classification (germline): Uncertain significance (1 of 4 stars; one submission).

Conditions:
PRPH2-related disorder. Also called: PRPH2-related condition; PRPH2-related disorders. Identifiers: MedGen CN239395.

Allele frequency attached by ClinVar (database versions not stated): ExAC 0.00002.
gnomAD v4.1: 21 of 1,613,752 alleles (0.0013%); highest among the groups gnomAD compares: Admixed American, 0.0017%; no homozygotes.

Submission:

Labcorp Genetics (formerly Invitae), Labcorp
Classification: Uncertain significance for PRPH2-related disorder. Last evaluated: 2023-02-24. Review status: criteria provided, single submitter. Criteria: Invitae Variant Classification Sherloc (09022015). Collection method: clinical testing. Allele origin: germline.
Comment: This sequence change replaces valine, which is neutral and non-polar, with methionine, which is neutral and non-polar, at codon 312 of the PRPH2 protein (p.Val312Met). This variant is present in population databases (rs771015384, gnomAD 0.01%). This variant has not been reported in the literature in individuals affected with PRPH2-related conditions. ClinVar contains an entry for this variant (Variation ID: 2150538). Advanced modeling of protein sequence and biophysical properties (such as structural, functional, and spatial information, amino acid conservation, physicochemical variation, residue mobility, and thermodynamic stability) performed at Invitae indicates that this missense variant is not expected to disrupt PRPH2 protein function. In summary, the available evidence is currently insufficient to determine the role of this variant in disease. Therefore, it has been classified as a Variant of Uncertain Significance.

NM_000322.5(PRPH2):c.934G>A (p.Val312Met)

Gene: PRPH2 (peripherin 2; minus strand). Cytogenetic location: 6p21.1.
Variant type: single nucleotide variant.
Coding change: c.934G>A on transcript NM_000322.5 (MANE Select); coding-DNA position 934, G replaced by A.
Protein change: p.Val312Met; replaces valine 312 with methionine.
Molecular consequence: missense variant.
Genome position (GRCh38, 1-based): chr6:42,698,402, C>T on the plus strand (G>A on the coding strand, the complement: PRPH2 is on the minus strand). VCF-style: chr6-42698402-C-T. GRCh37 (hg19) VCF-style: chr6-42666140-C-T.
Other names: short protein forms V312M.
Identifiers: ClinVar variation 2150538 (VCV002150538.4), dbSNP rs771015384, ClinGen allele CA3808476.